The following is an entry in ClinVar:

ClinVar aggregate classification (germline): Uncertain significance. Review status: criteria provided, multiple submitters, no conflicts (2 of 4 stars). 2 submissions from 2 submitters: Uncertain significance (2). Last evaluated 2024-11-22.

Conditions:
Eichsfeld type congenital muscular dystrophy (CMYO3). Also called: Rigid spine muscular dystrophy 1; MYOPATHY, SEPN1-RELATED; SELENON-related myopathy; Congenital myopathy 3 with rigid spine. Identifiers: MedGen C0410180, MONDO:0100100, OMIM 602771.
Inborn genetic diseases. Identifiers: MedGen C0950123, MeSH D030342.

Allele frequency attached by ClinVar (database versions not stated): ExAC 0.00001; gnomAD exomes 0.00001.
gnomAD v4.1: 13 of 1,613,616 alleles (0.00081%); highest among the groups gnomAD compares: Middle Eastern, 0.017%; no homozygotes.

Submissions (2):

Labcorp Genetics (formerly Invitae), Labcorp
Classification: Uncertain significance for Eichsfeld type congenital muscular dystrophy. Last evaluated: 2024-11-22. Review status: criteria provided, single submitter. Criteria: Invitae Variant Classification Sherloc (09022015). Collection method: clinical testing. Allele origin: germline.
Comment: This sequence change replaces arginine, which is basic and polar, with cysteine, which is neutral and slightly polar, at codon 182 of the SELENON protein (p.Arg182Cys). This variant is present in population databases (rs780848577, gnomAD 0.003%). This variant has not been reported in the literature in individuals affected with SELENON-related conditions. ClinVar contains an entry for this variant (Variation ID: 2151493). An algorithm developed to predict the effect of missense changes on protein structure and function (PolyPhen-2) suggests that this variant is likely to be tolerated. In summary, the available evidence is currently insufficient to determine the role of this variant in disease. Therefore, it has been classified as a Variant of Uncertain Significance.

Ambry Genetics
Classification: Uncertain significance for Inborn genetic diseases. Last evaluated: 2022-06-28. Review status: criteria provided, single submitter. Criteria: Ambry Variant Classification Scheme 2023. Collection method: clinical testing. Allele origin: germline.

NM_206926.2(SELENON):c.442C>T (p.Arg148Cys)

Gene: SELENON (selenoprotein N; plus strand). Cytogenetic location: 1p36.11.
Variant type: single nucleotide variant.
Coding change: c.442C>T on transcript NM_206926.2 (MANE Select); coding-DNA position 442, C replaced by T.
Protein change: p.Arg148Cys; replaces arginine 148 with cysteine.
Molecular consequence: missense variant.
Genome position (GRCh38, 1-based): chr1:25,808,586, C>T. VCF-style: chr1-25808586-C-T. GRCh37 (hg19) VCF-style: chr1-26135077-C-T.
Other names: c.544C>T (NM_020451.2); c.544C>T, p.Arg182Cys (NM_020451.3); short protein forms R182C, R148C.
Identifiers: ClinVar variation 2151493 (VCV002151493.4), dbSNP rs780848577, ClinGen allele CA696557.